The following is an entry in ClinVar:

ClinVar aggregate classification (germline): Pathogenic/Likely pathogenic. Review status: criteria provided, multiple submitters, no conflicts (2 of 4 stars). 3 submissions from 3 submitters: Pathogenic (2); Likely pathogenic (1). Last evaluated 2024-01-22.

Conditions:
ATM-related cancer predisposition. Also called: ATM-related cancer susceptibility. Identifiers: MedGen CN377759, MONDO:0700270.
Hereditary cancer-predisposing syndrome. Also called: Neoplastic Syndromes, Hereditary; Tumor predisposition; Hereditary Cancer Syndrome; Hereditary neoplastic syndrome. Identifiers: Orphanet 140162, MedGen C0027672, MeSH D009386, MONDO:0015356.
Familial cancer of breast. Also called: Hereditary breast cancer; hereditary breast carcinoma; BREAST CANCER, FAMILIAL. Identifiers: Orphanet 227535, MedGen C0346153, MONDO:0016419, OMIM 114480. Disease mechanism: loss of function.

Submissions (3):

Myriad Genetics, Inc.
Classification: Pathogenic for Familial cancer of breast. Last evaluated: 2024-01-22. Review status: criteria provided, single submitter. Criteria: Myriad Autosomal Dominant, Autosomal Recessive and X-Linked Classification Criteria (2023). Collection method: clinical testing. Allele origin: unknown.
Comment: This variant is considered pathogenic. This variant creates a termination codon and is predicted to result in premature protein truncation.

Department of Pathology and Laboratory Medicine, Sinai Health System
Classification: Likely pathogenic for ATM-related cancer predisposition. Last evaluated: 2023-11-16. Review status: criteria provided, single submitter. Criteria: ACMG Guidelines, 2015. Collection method: clinical testing. Allele origin: germline. Affected: no.

Ambry Genetics
Classification: Pathogenic for Hereditary cancer-predisposing syndrome. Last evaluated: 2022-09-27. Review status: criteria provided, single submitter. Criteria: Ambry Variant Classification Scheme 2023. Collection method: clinical testing. Allele origin: germline.
Comment: The p.L1206* pathogenic mutation (also known as c.3617T>A), located in coding exon 24 of the ATM gene, results from a T to A substitution at nucleotide position 3617. This changes the amino acid from a leucine to a stop codon within coding exon 24. This variant is considered to be rare based on population cohorts in the Genome Aggregation Database (gnomAD). This alteration is expected to result in loss of function by premature protein truncation or nonsense-mediated mRNA decay. As such, this alteration is interpreted as a disease-causing mutation.

NM_000051.4(ATM):c.3617T>A (p.Leu1206Ter)

Gene: ATM (ATM serine/threonine kinase; plus strand). Cytogenetic location: 11q22.3.
Variant type: single nucleotide variant.
Coding change: c.3617T>A on transcript NM_000051.4 (MANE Select); coding-DNA position 3617, T replaced by A.
Protein change: p.Leu1206Ter; replaces leucine 1206 with a stop codon.
Molecular consequence: nonsense.
Genome position (GRCh38, 1-based): chr11:108,282,750, T>A. VCF-style: chr11-108282750-T-A. GRCh37 (hg19) VCF-style: chr11-108153477-T-A.
Other names: c.3617T>A, p.Leu1206Ter (NM_001351834.2); short protein forms L1206*.
Identifiers: ClinVar variation 1733279 (VCV001733279.3), dbSNP rs1555092317, ClinGen allele CA382522795.
Genomic context (GRCh38, chr11:108,282,750, plus strand): 5'-TGACTTTTTGGTTCGTGCAGGTTTTAGAGAAAGTTTCTGAAACTTTTGGATATAGACGTT[T>A]AGAAGACTTTATGGCATCTCATTTAGATTATCTGGTTTTGGAATGGCTAAATCTTCAAGA-3'